The following is an entry in ClinVar:

NM_001110556.2(FLNA):c.5937T>A (p.Asp1979Glu)

Gene: FLNA (filamin A; minus strand). Cytogenetic location: Xq28.
Variant type: single nucleotide variant.
Coding change: c.5937T>A on transcript NM_001110556.2 (MANE Select); coding-DNA position 5937, T replaced by A.
Protein change: p.Asp1979Glu; replaces aspartic acid 1979 with glutamic acid.
Molecular consequence: missense variant.
Genome position (GRCh38, 1-based): chrX:154,353,381, A>T on the plus strand (T>A on the coding strand, the complement: FLNA is on the minus strand). VCF-style: chrX-154353381-A-T. GRCh37 (hg19) VCF-style: chrX-153581749-A-T.
Other names: c.5913T>A, p.Asp1971Glu (NM_001456.4); short protein forms D1971E, D1979E.
Identifiers: ClinVar variation 2579448 (VCV002579448.4), dbSNP rs2067637160, ClinGen allele CA415197717.

ClinVar aggregate classification (germline): Uncertain significance. Review status: criteria provided, multiple submitters, no conflicts (2 of 4 stars). 2 submissions from 2 submitters: Uncertain significance (2). Last evaluated 2023-06-14.

Conditions:
Oto-palato-digital syndrome, type II (OPD2). Also called: FACIOPALATOOSSEOUS SYNDROME; OPD II SYNDROME; Otopalatodigital Syndrome Type 2 (FLNA-OPD2); Otopalatodigital Syndrome, Type II. Identifiers: Orphanet 669, Orphanet 90652, MedGen C1844696, MONDO:0010571, OMIM 304120.
Heterotopia, periventricular, X-linked dominant (PVNH1). Also called: PERIVENTRICULAR NODULAR HETEROTOPIA 1; X-linked periventricular heterotopia; PERIVENTRICULAR NODULAR HETEROTOPIA 4; HETEROTOPIA, PERIVENTRICULAR, 1. Identifiers: Orphanet 2149, Orphanet 82004, MedGen C1848213, MONDO:0010233, OMIM 300049.
Melnick-Needles syndrome (MNS). Also called: MELNICK-NEEDLES OSTEODYSPLASTY; OSTEODYSPLASTY OF MELNICK AND NEEDLES; Melnick-Needles Syndrome (FLNA-MNS). Identifiers: Orphanet 2484, MedGen C0025237, MONDO:0010650, OMIM 309350.
Frontometaphyseal dysplasia (FMD1). Identifiers: Orphanet 1826, MedGen C0265293, MONDO:0015942.

gnomAD v4.1: 3 of 1,211,621 alleles (0.00025%); highest among the groups gnomAD compares: South Asian, 0.0018%; no homozygotes.

Submissions (2):

Labcorp Genetics (formerly Invitae), Labcorp
Classification: Uncertain significance for Oto-palato-digital syndrome, type II; Heterotopia, periventricular, X-linked dominant; Frontometaphyseal dysplasia; Melnick-Needles syndrome. Last evaluated: 2023-06-14. Review status: criteria provided, single submitter. Criteria: Invitae Variant Classification Sherloc (09022015). Collection method: clinical testing. Allele origin: germline.
Comment: This sequence change replaces aspartic acid, which is acidic and polar, with glutamic acid, which is acidic and polar, at codon 1971 of the FLNA protein (p.Asp1971Glu). This variant is not present in population databases (gnomAD no frequency). This variant has not been reported in the literature in individuals affected with FLNA-related conditions. Advanced modeling of protein sequence and biophysical properties (such as structural, functional, and spatial information, amino acid conservation, physicochemical variation, residue mobility, and thermodynamic stability) performed at Invitae indicates that this missense variant is not expected to disrupt FLNA protein function. In summary, the available evidence is currently insufficient to determine the role of this variant in disease. Therefore, it has been classified as a Variant of Uncertain Significance.

GeneDx
Classification: Uncertain significance. Last evaluated: 2023-03-08. Review status: criteria provided, single submitter. Criteria: GeneDx Variant Classification Process June 2021. Collection method: clinical testing. Allele origin: germline. Affected: yes.
Comment: Not observed at significant frequency in large population cohorts (gnomAD); In silico analysis supports that this missense variant has a deleterious effect on protein structure/function; Has not been previously published as pathogenic or benign to our knowledge